The following is an entry in ClinVar:

NM_002972.4(SBF1):c.3023G>A (p.Arg1008His)

Gene: SBF1 (SET binding factor 1; minus strand). Cytogenetic location: 22q13.33.
Variant type: single nucleotide variant.
Coding change: c.3023G>A on transcript NM_002972.4 (MANE Select); coding-DNA position 3023, G replaced by A.
Protein change: p.Arg1008His; replaces arginine 1008 with histidine.
Molecular consequence: missense variant.
Genome position (GRCh38, 1-based): chr22:50,460,657, C>T on the plus strand (G>A on the coding strand, the complement: SBF1 is on the minus strand). VCF-style: chr22-50460657-C-T. GRCh37 (hg19) VCF-style: chr22-50899086-C-T.
Other names: c.3026G>A, p.Arg1009His (NM_001365819.1); c.3023G>A (NM_002972.2); short protein forms R1008H, R1009H.
Identifiers: ClinVar variation 1434439 (VCV001434439.7), dbSNP rs769275880, ClinGen allele CA10316911.

ClinVar aggregate classification (germline): Uncertain significance. Review status: criteria provided, multiple submitters, no conflicts (2 of 4 stars). 3 submissions from 3 submitters: Uncertain significance (3). Last evaluated 2025-04-12.

Allele frequency attached by ClinVar (database versions not stated): TOPMed 0.00001; ExAC 0.00001; gnomAD exomes 0.00001; gnomAD 0.00001.
gnomAD v4.1: 19 of 1,613,878 alleles (0.0012%); highest among the groups gnomAD compares: Non-Finnish European, 0.0016%; no homozygotes.

Submissions (3):

Ambry Genetics
Classification: Uncertain significance. Last evaluated: 2025-04-12. Review status: criteria provided, single submitter. Criteria: Ambry Variant Classification Scheme 2023. Collection method: clinical testing. Allele origin: germline.

GeneDx
Classification: Uncertain significance. Last evaluated: 2023-10-31. Review status: criteria provided, single submitter. Criteria: GeneDx Variant Classification Process June 2021. Collection method: clinical testing. Allele origin: germline. Affected: yes.
Comment: Not observed at significant frequency in large population cohorts (gnomAD); In silico analysis supports that this missense variant has a deleterious effect on protein structure/function; Has not been previously published as pathogenic or benign to our knowledge

Labcorp Genetics (formerly Invitae), Labcorp
Classification: Uncertain significance. Last evaluated: 2021-10-14. Review status: criteria provided, single submitter. Criteria: Invitae Variant Classification Sherloc (09022015). Collection method: clinical testing. Allele origin: germline.
Comment: This sequence change replaces arginine with histidine at codon 1008 of the SBF1 protein (p.Arg1008His). The arginine residue is highly conserved and there is a small physicochemical difference between arginine and histidine. This variant is present in population databases (rs769275880, ExAC 0.002%). This variant has not been reported in the literature in individuals affected with SBF1-related conditions. Algorithms developed to predict the effect of missense changes on protein structure and function are either unavailable or do not agree on the potential impact of this missense change (SIFT: "Tolerated"; PolyPhen-2: "Probably Damaging"; Align-GVGD: "Class C0"). In summary, the available evidence is currently insufficient to determine the role of this variant in disease. Therefore, it has been classified as a Variant of Uncertain Significance.